The following is an entry in ClinVar:

ClinVar aggregate classification (germline): Benign/Likely benign. Review status: criteria provided, multiple submitters, no conflicts (2 of 4 stars). 8 submissions from 8 submitters: Benign (1); Likely benign (7). Last evaluated 2025-11-18.

Conditions:
Hereditary cancer-predisposing syndrome. Also called: Hereditary Cancer Syndrome; Tumor predisposition; Neoplastic Syndromes, Hereditary; Hereditary neoplastic syndrome. Identifiers: Orphanet 140162, MedGen C0027672, MeSH D009386, MONDO:0015356.
Familial cancer of breast. Also called: hereditary breast carcinoma; BREAST CANCER, FAMILIAL; Hereditary breast cancer. Identifiers: Orphanet 227535, MedGen C0346153, MONDO:0016419, OMIM 114480. Disease mechanism: loss of function.
Ataxia-telangiectasia syndrome (AT). Also called: ATAXIA-TELANGIECTASIA, COMPLEMENTATION GROUP A; ATAXIA-TELANGIECTASIA, FRESNO VARIANT; Ataxia-telangiectasia; Ataxia-telangiectasia, complementation group E; Cerebello-oculocutaneous telangiectasia; Immunodeficiency with ataxia telangiectasia. Identifiers: Orphanet 100, MedGen C0004135, MONDO:0008840, OMIM 208900.

Allele frequency attached by ClinVar (database versions not stated): gnomAD 0.00001.
gnomAD v4.1: 10 of 1,613,880 alleles (0.00062%); highest among the groups gnomAD compares: Non-Finnish European, 0.00076%; no homozygotes.

Submissions (8):

Labcorp Genetics (formerly Invitae), Labcorp
Classification: Likely benign for Ataxia-telangiectasia syndrome. Last evaluated: 2025-11-18. Review status: criteria provided, single submitter. Criteria: Invitae Variant Classification Sherloc (09022015). Collection method: clinical testing. Allele origin: germline.

Myriad Genetics, Inc.
Classification: Benign for Familial cancer of breast. Last evaluated: 2024-06-18. Review status: criteria provided, single submitter. Criteria: Myriad Autosomal Dominant, Autosomal Recessive and X-Linked Classification Criteria (2023). Collection method: clinical testing. Allele origin: unknown.
Comment: This variant is considered benign. This variant is a silent/synonymous amino acid change and it is not expected to impact splicing.

Blueprint Genetics
Classification: Likely benign. Last evaluated: 2024-03-21. Review status: criteria provided, single submitter. Criteria: ACMG Guidelines, 2015. Collection method: clinical testing. Allele origin: germline.

Genome-Nilou Lab
Classification: Likely benign for Ataxia-telangiectasia syndrome. Last evaluated: 2021-05-18. Review status: criteria provided, single submitter. Criteria: ACMG Guidelines, 2015. Collection method: clinical testing. Allele origin: germline. Affected: no.

Women's Health and Genetics/Laboratory Corporation of America, LabCorp
Classification: Likely benign. Last evaluated: 2019-08-21. Review status: criteria provided, single submitter. Criteria: LabCorp Variant Classification Summary - May 2015. Collection method: clinical testing. Allele origin: germline.

Color Diagnostics, LLC DBA Color Health
Classification: Likely benign for Hereditary cancer-predisposing syndrome. Last evaluated: 2017-08-21. Review status: criteria provided, single submitter. Criteria: ACMG Guidelines, 2015. Collection method: clinical testing. Allele origin: germline.

GeneDx
Classification: Likely benign. Last evaluated: 2015-12-15. Review status: criteria provided, single submitter. Criteria: GeneDx Variant Classification (06012015). Collection method: clinical testing. Allele origin: germline. Affected: yes.
Comment: This variant is considered likely benign or benign based on one or more of the following criteria: it is a conservative change, it occurs at a poorly conserved position in the protein, it is predicted to be benign by multiple in silico algorithms, and/or has population frequency not consistent with disease.

Ambry Genetics
Classification: Likely benign for Hereditary cancer-predisposing syndrome. Last evaluated: 2014-11-12. Review status: criteria provided, single submitter. Criteria: Ambry Variant Classification Scheme 2023. Collection method: clinical testing. Allele origin: germline.

NM_000051.4(ATM):c.8217G>A (p.Leu2739=)

Genes: ATM (ATM serine/threonine kinase; plus strand), C11orf65 (chromosome 11 open reading frame 65; minus strand). Cytogenetic location: 11q22.3.
Variant type: single nucleotide variant.
Coding change: c.8217G>A on transcript NM_000051.4 (MANE Select); coding-DNA position 8217, G replaced by A.
Protein change: p.Leu2739=; no amino-acid change (leucine 2739 retained).
Molecular consequence: synonymous variant. On other transcripts: intron variant (2).
Genome position (GRCh38, 1-based): chr11:108,335,910, G>A. VCF-style: chr11-108335910-G-A. GRCh37 (hg19) VCF-style: chr11-108206637-G-A.
Other names: c.8217G>A, p.Leu2739= (NM_001351834.2); c.641-26839C>T (NM_001330368.2); c.695-618C>T (NM_001351110.2).
Identifiers: ClinVar variation 187086 (VCV000187086.24), dbSNP rs759069006, ClinGen allele CA196699.